The following is an entry in ClinVar:

ClinVar aggregate classification (germline): Uncertain significance. Review status: criteria provided, multiple submitters, no conflicts (2 of 4 stars). 4 submissions from 4 submitters: Uncertain significance (4). Last evaluated 2025-11-03.

Conditions:
Birt-Hogg-Dube syndrome 1 (BHD1). Also called: FIBROFOLLICULOMAS WITH TRICHODISCOMAS AND ACROCHORDONS. Identifiers: Orphanet 122, MedGen CN375946, MONDO:0800445, OMIM 135150.
Birt-Hogg-Dube syndrome. Also called: Birt Hogg Dubé syndrome. Identifiers: Orphanet 122, MedGen C0346010, MONDO:0800444.
Hereditary cancer-predisposing syndrome. Also called: Neoplastic Syndromes, Hereditary; Tumor predisposition; Hereditary neoplastic syndrome; Hereditary Cancer Syndrome. Identifiers: Orphanet 140162, MedGen C0027672, MeSH D009386, MONDO:0015356.

Submissions (4):

Ambry Genetics
Classification: Uncertain significance for Hereditary cancer-predisposing syndrome. Last evaluated: 2025-11-03. Review status: criteria provided, single submitter. Criteria: Ambry Variant Classification Scheme 2023. Collection method: clinical testing. Allele origin: germline.
Comment: The p.H367Y variant (also known as c.1099C>T), located in coding exon 7 of the FLCN gene, results from a C to T substitution at nucleotide position 1099. The histidine at codon 367 is replaced by tyrosine, an amino acid with similar properties. This amino acid position is highly conserved in available vertebrate species. In addition, the in silico prediction for this alteration is inconclusive. Based on the available evidence, the clinical significance of this variant remains unclear.

Quest Diagnostics Nichols Institute San Juan Capistrano
Classification: Uncertain significance. Last evaluated: 2025-05-15. Review status: criteria provided, single submitter. Criteria: Quest Diagnostics criteria. Collection method: clinical testing. Allele origin: unknown.
Comment: The FLCN c.1099C>T (p.His367Tyr) variant has not been reported in individuals with FLCN-related conditions in the published literature. It also has not been reported in large, multi-ethnic general populations (Genome Aggregation Database). Analysis of this variant using bioinformatics tools for the prediction of the effect of amino acid changes on protein structure and function yielded predictions that this variant is damaging. Additional analysis using software algorithms for the prediction of the effect of nucleotide changes on FLCN mRNA splicing yielded predictions that this variant may result in the gain of a cryptic splice site without affecting the natural splice sites. Based on the available information, we are unable to determine the clinical significance of this variant.

Baylor Genetics
Classification: Uncertain significance for Birt-Hogg-Dube syndrome 1. Last evaluated: 2023-11-09. Review status: criteria provided, single submitter. Criteria: ACMG Guidelines, 2015. Collection method: clinical testing. Allele origin: unknown.

Labcorp Genetics (formerly Invitae), Labcorp
Classification: Uncertain significance for Birt-Hogg-Dube syndrome. Last evaluated: 2022-11-01. Review status: criteria provided, single submitter. Criteria: Invitae Variant Classification Sherloc (09022015). Collection method: clinical testing. Allele origin: germline.
Comment: In summary, the available evidence is currently insufficient to determine the role of this variant in disease. Therefore, it has been classified as a Variant of Uncertain Significance. Advanced modeling of protein sequence and biophysical properties (such as structural, functional, and spatial information, amino acid conservation, physicochemical variation, residue mobility, and thermodynamic stability) has been performed at Invitae for this missense variant, however the output from this modeling did not meet the statistical confidence thresholds required to predict the impact of this variant on FLCN protein function. This variant has not been reported in the literature in individuals affected with FLCN-related conditions. This variant is not present in population databases (gnomAD no frequency). This sequence change replaces histidine, which is basic and polar, with tyrosine, which is neutral and polar, at codon 367 of the FLCN protein (p.His367Tyr).

Literature cited by the submitters: PubMed 33313181 (cited by Quest Diagnostics Nichols Institute San Juan Capistrano).

NM_144997.7(FLCN):c.1099C>T (p.His367Tyr)

Gene: FLCN (folliculin; minus strand). Cytogenetic location: 17p11.2.
Variant type: single nucleotide variant.
Coding change: c.1099C>T on transcript NM_144997.7 (MANE Select); coding-DNA position 1099, C replaced by T.
Protein change: p.His367Tyr; replaces histidine 367 with tyrosine.
Molecular consequence: missense variant.
Genome position (GRCh38, 1-based): chr17:17,217,146, G>A on the plus strand (C>T on the coding strand, the complement: FLCN is on the minus strand). VCF-style: chr17-17217146-G-A. GRCh37 (hg19) VCF-style: chr17-17120460-G-A.
Other names: c.1153C>T, p.His385Tyr (NM_001353229.2); c.1099C>T, p.His367Tyr (NM_001353230.2, NM_001353231.2); c.1099C>T (NM_144997.6); short protein forms H367Y, H385Y.
Identifiers: ClinVar variation 1791528 (VCV001791528.8), dbSNP rs2544173619, ClinGen allele CA398532333.